The following is an entry in ClinVar:

ClinVar aggregate classification (germline): Benign/Likely benign. Review status: criteria provided, single submitter (1 of 4 stars). 2 submissions from 1 submitter: Benign (1); Likely benign (1). Last evaluated 2018-01-13.

Conditions:
Spondyloepimetaphyseal dysplasia, Missouri type. Identifiers: Orphanet 1040, Orphanet 93356, MedGen C1865832, MONDO:0011198, OMIM 602111.
Metaphyseal anadysplasia. Also called: Early-onset regressive form of metaphyseal dysplasia. Identifiers: Orphanet 1040, MedGen C0432226, MONDO:0015177.

Allele frequency attached by ClinVar (database versions not stated): 1000 Genomes Project 30x 0.01296; TOPMed 0.01136; gnomAD 0.01026 and 0.01102; 1000 Genomes Project 0.01218.

Submissions (2):

Illumina Laboratory Services, Illumina
Classification: Likely benign for Spondyloepimetaphyseal dysplasia, Missouri type. Last evaluated: 2018-01-13. Review status: criteria provided, single submitter. Criteria: ICSL Variant Classification Criteria 13 December 2019. Collection method: clinical testing. Allele origin: germline.
Comment: This variant was observed in the ICSL laboratory as part of a predisposition screen in an ostensibly healthy population. It had not been previously curated by ICSL or reported in the Human Gene Mutation Database (HGMD: prior to June 1st, 2018), and was therefore a candidate for classification through an automated scoring system. Utilizing variant allele frequency, disease prevalence and penetrance estimates, and inheritance mode, an automated score was calculated to assess if this variant is too frequent to cause the disease. Based on the score and internal cut-off values, a variant classified as likely benign is not then subjected to further curation. The score for this variant resulted in a classification of likely benign for this disease.

Illumina Laboratory Services, Illumina
Classification: Benign for Metaphyseal anadysplasia. Last evaluated: 2018-01-13. Review status: criteria provided, single submitter. Criteria: ICSL Variant Classification Criteria 13 December 2019. Collection method: clinical testing. Allele origin: germline.
Comment: This variant was observed in the ICSL laboratory as part of a predisposition screen in an ostensibly healthy population. It had not been previously curated by ICSL or reported in the Human Gene Mutation Database (HGMD: prior to June 1st, 2018), and was therefore a candidate for classification through an automated scoring system. Utilizing variant allele frequency, disease prevalence and penetrance estimates, and inheritance mode, an automated score was calculated to assess if this variant is too frequent to cause the disease. Based on the score and internal cut-off values, a variant classified as benign is not then subjected to further curation. The score for this variant resulted in a classification of benign for this disease.

NM_002427.4(MMP13):c.*628A>G

Gene: MMP13 (matrix metallopeptidase 13; minus strand). Cytogenetic location: 11q22.2.
Variant type: single nucleotide variant.
Coding change: c.*628A>G on transcript NM_002427.4 (MANE Select); 628 bases downstream of the stop codon, A replaced by G.
Molecular consequence: 3 prime UTR variant.
Genome position (GRCh38, 1-based): chr11:102,943,638, T>C on the plus strand (A>G on the coding strand, the complement: MMP13 is on the minus strand). VCF-style: chr11-102943638-T-C. GRCh37 (hg19) VCF-style: chr11-102814367-T-C.
Identifiers: ClinVar variation 301966 (VCV000301966.5), dbSNP rs114428333, ClinGen allele CA10636836.